The following is an entry in ClinVar:

ClinVar aggregate classification (germline): Pathogenic (1 of 4 stars; one submission).

Conditions:
Hereditary angioedema type 1 (HAE1). Identifiers: Orphanet 100050, Orphanet 100051, Orphanet 91378, MedGen C2717906, MONDO:0015053, OMIM 106100.

Submission:

DNA-diagnostics Laboratory, Research Centre For Medical Genetics
Classification: Pathogenic for Hereditary angioedema type 1. Last evaluated: 2024-07-27. Review status: criteria provided, single submitter. Criteria: ACMG Guidelines, 2015. Collection method: research. Allele origin: germline. Inheritance: Autosomal dominant inheritance. Affected: yes. Observed: 2 variant alleles, 2 heterozygotes. Clinical features observed: Angioedema (HP:0100665).
Comment: According to published information (Pappalardo et al., 2008][Bafunno et al., 2014), the c.130A>T variant in SERPING1 meets ACMG/ClinGen SVI guidance criteria to be classified as pathogenic: PVS1, PS4_Mod, PP4_Mod, PM2_Sup, PP1

Literature cited by the submitters: PubMed 18586324; DOI 10.1111/ahg.12052.

NM_000062.3(SERPING1):c.130A>T (p.Lys44Ter)

Gene: SERPING1 (serpin family G member 1; plus strand). Cytogenetic location: 11q12.1.
Variant type: single nucleotide variant.
Coding change: c.130A>T on transcript NM_000062.3 (MANE Select); coding-DNA position 130, A replaced by T.
Protein change: p.Lys44Ter; replaces lysine 44 with a stop codon.
Molecular consequence: nonsense.
Genome position (GRCh38, 1-based): chr11:57,599,957, A>T. VCF-style: chr11-57599957-A-T. GRCh37 (hg19) VCF-style: chr11-57367430-A-T.
Other names: c.130A>T, p.Lys44Ter (NM_001032295.2); short protein forms K44*.
Identifiers: ClinVar variation 3256130 (VCV003256130.2).